The following is an entry in ClinVar:

ClinVar aggregate classification (germline): Likely pathogenic (1 of 4 stars; one submission).

Conditions:
Thyroid hormone resistance, generalized, autosomal dominant (GRTHD). Also called: HYPERTHYROXINEMIA, FAMILIAL EUTHYROID, SECONDARY TO PITUITARY AND PERIPHERAL RESISTANCE TO THYROID HORMONES. Identifiers: MedGen C2937288, MONDO:0008569, OMIM 188570.

Submission:

Women's Health and Genetics/Laboratory Corporation of America, LabCorp
Classification: Likely pathogenic for Thyroid hormone resistance, generalized, autosomal dominant. Last evaluated: 2024-09-24. Review status: criteria provided, single submitter. Criteria: LabCorp Variant Classification Summary - May 2015. Collection method: clinical testing. Allele origin: germline.
Comment: Variant summary: THRB c.1325T>C (p.Met442Thr) results in a non-conservative amino acid change located in the Nuclear hormone receptor, ligand-binding domain (IPR000536) of the encoded protein sequence. Five of five in-silico tools predict a damaging effect of the variant on protein function. The variant was absent in 251486 control chromosomes. c.1325T>C has been reported in the literature in at-least two individuals from a family affected with Thyroid Hormone Resistance, Generalized, Autosomal Dominant (example, Bayer_2004). These data indicate that the variant may be associated with disease. At least one publication reports experimental evidence evaluating an impact on protein function. The most pronounced variant effect results in impaired T3-dependent transactivation (14% of WT) and a dominant negative effect when co-transfected with wild-type TRB (16% of WT) in COS-7 cells (Pongjantarasatian_2012). The following publications have been ascertained in the context of this evaluation (PMID: 15031774, 21795843). No submitters have cited clinical-significance assessments for this variant to ClinVar. Based on the evidence outlined above, the variant was classified as likely pathogenic.

Literature cited by the submitters: PubMed 15031774; PubMed 21795843.

NM_001354712.2(THRB):c.1325T>C (p.Met442Thr)

Gene: THRB (thyroid hormone receptor beta; minus strand). Cytogenetic location: 3p24.2.
Variant type: single nucleotide variant.
Coding change: c.1325T>C on transcript NM_001354712.2 (MANE Select); coding-DNA position 1325, T replaced by C.
Protein change: p.Met442Thr; replaces methionine 442 with threonine.
Molecular consequence: missense variant.
Genome position (GRCh38, 1-based): chr3:24,122,945, A>G on the plus strand (T>C on the coding strand, the complement: THRB is on the minus strand). VCF-style: chr3-24122945-A-G. GRCh37 (hg19) VCF-style: chr3-24164436-A-G.
Other names: c.1325T>C, p.Met442Thr (NM_000461.5, NM_001128176.3, NM_001128177.2 and 11 more transcripts); c.1232T>C, p.Met411Thr (NM_001354714.2, NM_001354715.2); c.1154T>C, p.Met385Thr (NM_001374827.1); short protein forms M385T, M411T, M442T.
Identifiers: ClinVar variation 3375244 (VCV003375244.1).